The following is an entry in ClinVar:

ClinVar aggregate classification (germline): Pathogenic (0 of 4 stars; one submission).

Conditions:
Pyruvate dehydrogenase E1-alpha deficiency (PDHAD). Also called: ATAXIA, INTERMITTENT, WITH PYRUVATE DEHYDROGENASE DEFICIENCY; ATAXIA WITH LACTIC ACIDOSIS I; ATAXIA, INTERMITTENT, WITH ABNORMAL PYRUVATE METABOLISM; Ataxia, intermittent, with pyruvate dehydrogenase, or decarboxylase, deficiency. Identifiers: Orphanet 79243, MedGen C1839413, MONDO:0010717, OMIM 312170.

Submission:

PDHA1 Study Group, University Children’s Hospital, Paracelsus Medical University
Classification: Pathogenic for Pyruvate dehydrogenase E1-alpha deficiency. Last evaluated: 2024-10-15. Review status: no assertion criteria provided. Collection method: research. Allele origin: germline. Affected: yes. Observed: 1 variant allele.
Comment: The NM_000284.3:c.1139_1142dup (p.Trp383SerfsTer5) change is a frameshift variant in PDHA1 gene. This variant is predicted to escape nonsense-mediated decay (NMD). The variant has been reported in 1 published case (PMIDs: 24718837). Last literature search: July 12, 2024. This variant is absent or extremely rare in population-based cohorts in the Genome Aggregation Database (gnomAD). Individuals harboring this variant presented with clinical features compatible with PDHA1-related PDHc deficiency. In summary, this variant meets criteria to be classified as pathogenic (P) for PDHA1-related PDHc deficiency based on the ACMG/AMP criteria applied: PVS1, PM2 (last assessment October 15, 2024).

Literature cited by the submitters: PubMed 24718837; DOI 10.1093/brain/awaf430.

NM_000284.4(PDHA1):c.1139_1142dup (p.Trp383fs)

Gene: PDHA1 (pyruvate dehydrogenase E1 subunit alpha 1; plus strand). Cytogenetic location: Xp22.12.
Variant type: Duplication.
Coding change: c.1139_1142dup on transcript NM_000284.4 (MANE Select); coding-DNA positions 1139 to 1142, 4 bases duplicated (CCAA; older notation c.1139_1142dupCCAA).
Protein change: p.Trp383fs; shifts the reading frame from tryptophan 383.
Molecular consequence: frameshift variant.
Genome position (GRCh38, 1-based): chrX:19,359,619-19,359,622, CCAA duplicated. VCF-style (leftmost placement, unchanged base first): chrX-19359618-G-GCCAA. GRCh37 (hg19) VCF-style: chrX-19377736-G-GCCAA.
Other names: c.1253_1256dup, p.Trp421fs (NM_001173454.2); c.1160_1163dup, p.Trp390fs (NM_001173455.2); c.1046_1049dup, p.Trp352fs (NM_001173456.2); short protein forms W352fs, W383fs, W390fs, W421fs.
Identifiers: ClinVar variation 4070469 (VCV004070469.1).
Genomic context (GRCh38, chrX:19,359,618, plus strand): 5'-CCTTTGGAAGAGCTGGGCTACCACATCTACTCCAGCGACCCACCTTTTGAAGTTCGTGGT[G>GCCAA]CCAATCAGTGGATCAAGTTTAAGTCAGTCAGTTAAGGGGAGGAGAAGGAGAGGTTATACC-3'